The following is an entry in ClinVar:

ClinVar aggregate classification (germline): Uncertain significance. Review status: criteria provided, multiple submitters, no conflicts (2 of 4 stars). 3 submissions from 3 submitters: Uncertain significance (3). Last evaluated 2024-08-04.

Conditions:
Epilepsy, childhood absence, susceptibility to, 6. Identifiers: Orphanet 64280, MedGen C2749872, MONDO:0012763, OMIM 611942.
Hyperaldosteronism, familial, type IV (HALD4). Also called: FH IV; ALDOSTERONISM, PRIMARY, AND HYPERTENSION. Identifiers: Orphanet 642671, MedGen C4310756, MONDO:0014875, OMIM 617027.
Idiopathic generalized epilepsy. Also called: Generalised epilepsy; EIG. Identifiers: MedGen C0270850, MONDO:0005579, OMIM 600669.

Allele frequency attached by ClinVar (database versions not stated): gnomAD exomes below 0.00001; TOPMed below 0.00001; gnomAD 0.00001; 1000 Genomes Project 30x 0.00031.
gnomAD v4.1: 4 of 1,589,612 alleles (0.00025%); highest among the groups gnomAD compares: South Asian, 0.0011%; no homozygotes.

Submissions (3):

Labcorp Genetics (formerly Invitae), Labcorp
Classification: Uncertain significance for Idiopathic generalized epilepsy; Hyperaldosteronism, familial, type IV. Last evaluated: 2024-08-04. Review status: criteria provided, single submitter. Criteria: Invitae Variant Classification Sherloc (09022015). Collection method: clinical testing. Allele origin: germline.
Comment: This sequence change replaces valine, which is neutral and non-polar, with methionine, which is neutral and non-polar, at codon 967 of the CACNA1H protein (p.Val967Met). The frequency data for this variant in the population databases is considered unreliable, as metrics indicate poor data quality at this position in the gnomAD database. This variant has not been reported in the literature in individuals affected with CACNA1H-related conditions. ClinVar contains an entry for this variant (Variation ID: 1499945). Advanced modeling of protein sequence and biophysical properties (such as structural, functional, and spatial information, amino acid conservation, physicochemical variation, residue mobility, and thermodynamic stability) performed at Invitae indicates that this missense variant is expected to disrupt CACNA1H protein function with a positive predictive value of 80%. In summary, the available evidence is currently insufficient to determine the role of this variant in disease. Therefore, it has been classified as a Variant of Uncertain Significance.

Fulgent Genetics
Classification: Uncertain significance for Epilepsy, childhood absence, susceptibility to, 6; Hyperaldosteronism, familial, type IV. Last evaluated: 2021-12-14. Review status: criteria provided, single submitter. Criteria: ACMG Guidelines, 2015. Collection method: clinical testing. Allele origin: unknown.

Blueprint Genetics
Classification: Uncertain significance. Last evaluated: 2019-04-30. Review status: criteria provided, single submitter. Criteria: ACMG Guidelines, 2015. Collection method: clinical testing. Allele origin: germline.

NM_021098.3(CACNA1H):c.2899G>A (p.Val967Met)

Gene: CACNA1H (calcium voltage-gated channel subunit alpha1 H; plus strand). Cytogenetic location: 16p13.3.
Variant type: single nucleotide variant.
Coding change: c.2899G>A on transcript NM_021098.3 (MANE Select); coding-DNA position 2899, G replaced by A.
Protein change: p.Val967Met; replaces valine 967 with methionine.
Molecular consequence: missense variant.
Genome position (GRCh38, 1-based): chr16:1,207,110, G>A. VCF-style: chr16-1207110-G-A. GRCh37 (hg19) VCF-style: chr16-1257110-G-A.
Other names: c.2899G>A, p.Val967Met (NM_001005407.2); short protein forms V967M.
Identifiers: ClinVar variation 1499945 (VCV001499945.10), dbSNP rs1489760070, ClinGen allele CA394170193.